The following is an entry in ClinVar:

ClinVar aggregate classification (germline): Uncertain significance. Review status: criteria provided, multiple submitters, no conflicts (2 of 4 stars). 3 submissions from 3 submitters: Uncertain significance (3). Last evaluated 2024-05-03.

Allele frequency attached by ClinVar (database versions not stated): gnomAD 0.00006; ESP Exome Variant Server 0.00008; TOPMed 0.00009.
gnomAD v4.1: 157 of 1,614,034 alleles (0.0097%); highest among the groups gnomAD compares: East Asian, 0.029%; no homozygotes.

Submissions (3):

Blueprint Genetics
Classification: Uncertain significance. Last evaluated: 2024-05-03. Review status: criteria provided, single submitter. Criteria: ACMG Guidelines, 2015. Collection method: clinical testing. Allele origin: germline.

Women's Health and Genetics/Laboratory Corporation of America, LabCorp
Classification: Uncertain significance. Last evaluated: 2024-01-10. Review status: criteria provided, single submitter. Criteria: LabCorp Variant Classification Summary - May 2015. Collection method: clinical testing. Allele origin: germline.
Comment: Variant summary: CUBN c.7400A>G (p.Asn2467Ser) results in a conservative amino acid change located in the CUB domain (IPR000859) of the encoded protein sequence. Three of five in-silico tools predict a benign effect of the variant on protein function. The variant allele was found at a frequency of 6.8e-05 in 251406 control chromosomes (gnomAD). To our knowledge, no occurrence of c.7400A>G in individuals affected with Imerslund-Grasbeck Syndrome Type 1 and no experimental evidence demonstrating its impact on protein function have been reported. ClinVar contains an entry for this variant (Variation ID: 439586). Based on the evidence outlined above, the variant was classified as uncertain significance.

ARUP Laboratories, Molecular Genetics and Genomics, ARUP Laboratories
Classification: Uncertain significance. Last evaluated: 2017-05-25. Review status: criteria provided, single submitter. Criteria: ARUP Molecular Germline Variant Investigation Process. Collection method: clinical testing. Allele origin: germline.
Comment: The p.Asn2467Ser variant (rs200197243) has not been reported in the medical literature, gene specific variation databases, nor has it been previously identified by our laboratory. This variant is listed in the NHLBI GO Exome Sequencing Project with an overall population frequency of 0.01 percent (identified on 1 out of 13006 chromosomes) and is listed in the Exome Aggregation Consortium Browser with an overall population frequency of 0.008 percent (identified on 10 out of 121050 chromosomes). The asparagine at position 2467 is highly conserved, up to Cow (considering 10 species) (Alamut v.2.9.0) and computational analyses of the effects of the p.Asn2467Ser variant on protein structure and function provide conflicting results (SIFT: tolerated, MutationTaster: disease causing, PolyPhen-2: benign). Altogether, there is not enough evidence to classify the p.Asn2467Ser variant with certainty.

NM_001081.4(CUBN):c.7400A>G (p.Asn2467Ser)

Gene: CUBN (cubilin; minus strand). Cytogenetic location: 10p13.
Variant type: single nucleotide variant.
Coding change: c.7400A>G on transcript NM_001081.4 (MANE Select); coding-DNA position 7400, A replaced by G.
Protein change: p.Asn2467Ser; replaces asparagine 2467 with serine.
Molecular consequence: missense variant.
Genome position (GRCh38, 1-based): chr10:16,913,944, T>C on the plus strand (A>G on the coding strand, the complement: CUBN is on the minus strand). VCF-style: chr10-16913944-T-C. GRCh37 (hg19) VCF-style: chr10-16955943-T-C.
Other names: short protein forms N2467S.
Identifiers: ClinVar variation 439586 (VCV000439586.11), dbSNP rs200197243, ClinGen allele CA5423377.